The following is an entry in ClinVar:

ClinVar aggregate classification (germline): Benign. Review status: criteria provided, multiple submitters, no conflicts (2 of 4 stars). 4 submissions from 4 submitters: Benign (3). 1 of the submissions does not count toward it. Last evaluated 2026-02-02.

Conditions:
HYOU1-related disorder. Also called: HYOU1-related condition.

Allele frequency attached by ClinVar (database versions not stated): gnomAD exomes 0.01404; TOPMed 0.03715; 1000 Genomes Project 30x 0.04716.
gnomAD v4.1: 26,276 of 1,614,100 alleles (1.6%); highest among the groups gnomAD compares: African/African-American, 9%; 649 homozygotes.

Submissions (4):

Labcorp Genetics (formerly Invitae), Labcorp
Classification: Benign. Last evaluated: 2026-02-02. Review status: criteria provided, single submitter. Criteria: Invitae Variant Classification Sherloc (09022015). Collection method: clinical testing. Allele origin: germline.

Women's Health and Genetics/Laboratory Corporation of America, LabCorp
Classification: Benign. Last evaluated: 2026-01-21. Review status: criteria provided, single submitter. Criteria: LabCorp Variant Classification Summary - May 2015. Collection method: clinical testing. Allele origin: germline.

Breakthrough Genomics
Classification: Benign. Review status: criteria provided, single submitter. Criteria: ACMG Guidelines, 2015. Collection method: not provided. Allele origin: germline. Inheritance: Autosomal recessive inheritance. Affected: yes.

PreventionGenetics, part of Exact Sciences
Classification: Benign for HYOU1-related condition. Last evaluated: 2019-07-08. Review status: no assertion criteria provided. Collection method: clinical testing. Allele origin: germline. Not counted in ClinVar's aggregate classification.
Comment: This variant is classified as benign based on ACMG/AMP sequence variant interpretation guidelines (Richards et al. 2015 PMID: 25741868, with internal and published modifications).

NM_006389.5(HYOU1):c.381C>T (p.Phe127=)

Gene: HYOU1 (hypoxia up-regulated 1; minus strand). Cytogenetic location: 11q23.3.
Variant type: single nucleotide variant.
Coding change: c.381C>T on transcript NM_006389.5 (MANE Select); coding-DNA position 381, C replaced by T.
Protein change: p.Phe127=; no amino-acid change (phenylalanine 127 retained).
Molecular consequence: synonymous variant.
Genome position (GRCh38, 1-based): chr11:119,055,223, G>A on the plus strand (C>T on the coding strand, the complement: HYOU1 is on the minus strand). VCF-style: chr11-119055223-G-A. GRCh37 (hg19) VCF-style: chr11-118925935-G-A.
Other names: c.381C>T (NM_006389.4); c.381C>T, p.Phe127= (NM_001130991.3).
Identifiers: ClinVar variation 1169280 (VCV001169280.13), dbSNP rs511134, ClinGen allele CA229648903.